The following is an entry in ClinVar:

NM_017433.5(MYO3A):c.3383del (p.Asn1128fs)

Gene: MYO3A (myosin IIIA; plus strand). Cytogenetic location: 10p12.1.
Variant type: Deletion.
Coding change: c.3383del on transcript NM_017433.5 (MANE Select); coding-DNA position 3383, one base deleted (A; older notation c.3383delA).
Protein change: p.Asn1128fs; shifts the reading frame from asparagine 1128.
Molecular consequence: frameshift variant.
Genome position (GRCh38, 1-based): chr10:26,170,524, A deleted; the last of 5 consecutive A bases (chr10:26,170,520-26,170,524); deleting any one gives the same sequence. VCF-style (leftmost placement, unchanged base first): chr10-26170519-GA-G. GRCh37 (hg19) VCF-style: chr10-26459448-GA-G.
Other names: short protein forms N1128fs.
Identifiers: ClinVar variation 2664930 (VCV002664930.1), dbSNP rs2493926592, ClinGen allele CA2695199461.

ClinVar aggregate classification (germline): Likely pathogenic (1 of 4 stars; one submission).

Conditions:
Autosomal recessive nonsyndromic hearing loss 30. Identifiers: Orphanet 90636, MedGen C1846784, MONDO:0011774, OMIM 607101.

Submission:

Neuberg Centre For Genomic Medicine, NCGM
Classification: Likely pathogenic for Autosomal recessive nonsyndromic hearing loss 30. Last evaluated: 2023-03-01. Review status: criteria provided, single submitter. Criteria: ACMG Guidelines, 2015. Collection method: clinical testing. Allele origin: germline. Inheritance: Autosomal recessive inheritance. Affected: yes.
Comment: The frameshift variant c.3383del(p.Asn1128ThrfsTer10) in MYO3A gene has not been reported previously as a pathogenic variant nor as a benign variant, to our knowledge. The variant is novel (not in any individuals) in gnomAD Exomes and in 1000 Genomes. This variant causes a frameshift starting with codon Asparagine 1128, changes this amino acid to Threonine residue, and creates a premature Stop codon at position 10 of the new reading frame, denoted p.Asn1128ThrfsTer10. This variant is predicted to cause loss of normal protein function through protein truncation. Loss of function variants have been previously reported to be disease causing (Walsh T, et al., 2002). For these reasons, this variant has been classified as Likely Pathogenic.